The following is an entry in ClinVar:

ClinVar aggregate classification (germline): Likely pathogenic (1 of 4 stars; one submission).

Conditions:
Rare genetic deafness. Identifiers: Orphanet 96210, MedGen C5680250.

Submission:

Laboratory for Molecular Medicine, Mass General Brigham Personalized Medicine
Classification: Likely pathogenic for Rare genetic deafness. Last evaluated: 2014-06-23. Review status: criteria provided, single submitter. Criteria: LMM Criteria. Collection method: clinical testing. Allele origin: germline. Inheritance: Autosomal recessive inheritance. Observed: 4 variant alleles.
Comment: The deletion of exons 4 through 11 in the ESRRB gene has not been previously rep orted in individuals with hearing loss. The deletion of exons 4 through 11 detec ted in this individual encompasses the entire coding region of this gene and the refore it is expected to lead to an absent protein. Loss of function variants in ESRRB have been associated with autosomal recessive sensorineural hearing loss, however the exact mechanism of disease has not yet been established. In summary , this variant is likely to be pathogenic, though additional studies are require d to fully establish its clinical significance. The endpoints of this deletion c annot be determined and follow-up testing by chromosomal microarray may be able to assess the involvement of noncoding exons of ESRRB (exons 1-3) and/or neighbo ring genes.

NM_004452.3(ESRRB):c.(?_1)_(1527_?)del

Genes: ESRRB (estrogen related receptor beta; plus strand), LOC130056147 (ATAC-STARR-seq lymphoblastoid active region 8769; plus strand), LOC130056148 (ATAC-STARR-seq lymphoblastoid active region 8770; plus strand). Cytogenetic location: 14q24.3.
Variant type: Deletion.
Coding change: c.(?_1)_(1527_?)del on transcript NM_004452.3; a large deletion whose breakpoints are not mapped to the base.
Other names: c.(?_1)_(1527_?)del (NM_004452.3).
Identifiers: ClinVar variation 179837 (VCV000179837.4).